The following is an entry in ClinVar:

NM_032119.4(ADGRV1):c.2503G>A (p.Glu835Lys)

Gene: ADGRV1 (adhesion G protein-coupled receptor V1; plus strand). Cytogenetic location: 5q14.3.
Variant type: single nucleotide variant.
Coding change: c.2503G>A on transcript NM_032119.4 (MANE Select); coding-DNA position 2503, G replaced by A.
Protein change: p.Glu835Lys; replaces glutamic acid 835 with lysine.
Molecular consequence: missense variant. On other transcripts: non-coding transcript variant (1).
Genome position (GRCh38, 1-based): chr5:90,642,991, G>A. VCF-style: chr5-90642991-G-A. GRCh37 (hg19) VCF-style: chr5-89938808-G-A.
Other names: short protein forms E835K.
Identifiers: ClinVar variation 1320910 (VCV001320910.3), dbSNP rs2149429894, ClinGen allele CA360388451.

ClinVar aggregate classification (germline): Uncertain significance. Review status: criteria provided, multiple submitters, no conflicts (2 of 4 stars). 2 submissions from 2 submitters: Uncertain significance (2). Last evaluated 2024-05-29.

Conditions:
Usher syndrome type 2C. Also called: Usher syndrome, type 2B; USHER SYNDROME, TYPE IIC. Identifiers: Orphanet 231178, Orphanet 886, MedGen C2931213, MONDO:0011558, OMIM 605472.
Febrile seizures, familial, 4 (FEB4). Also called: CONVULSIONS, FAMILIAL FEBRILE, 4. Identifiers: MedGen C1858493, MONDO:0011443, OMIM 604352.

gnomAD v4.1: 3 of 1,613,592 alleles (0.00019%); highest among the groups gnomAD compares: Non-Finnish European, 0.00025%; no homozygotes.

Submissions (2):

Fulgent Genetics
Classification: Uncertain significance for Febrile seizures, familial, 4; Usher syndrome type 2C. Last evaluated: 2024-05-29. Review status: criteria provided, single submitter. Criteria: ACMG Guidelines, 2015. Collection method: clinical testing. Allele origin: germline.

GeneDx
Classification: Uncertain significance. Last evaluated: 2020-10-28. Review status: criteria provided, single submitter. Criteria: GeneDx Variant Classification Process June 2021. Collection method: clinical testing. Allele origin: germline. Affected: yes.
Comment: Not observed in large population cohorts (Lek et al., 2016); In silico analysis supports that this missense variant does not alter protein structure/function; Has not been previously published as pathogenic or benign to our knowledge